The following is an entry in ClinVar:

NM_032119.4(ADGRV1):c.3626A>G (p.Asn1209Ser)

Gene: ADGRV1 (adhesion G protein-coupled receptor V1; plus strand). Cytogenetic location: 5q14.3.
Variant type: single nucleotide variant.
Coding change: c.3626A>G on transcript NM_032119.4 (MANE Select); coding-DNA position 3626, A replaced by G.
Protein change: p.Asn1209Ser; replaces asparagine 1209 with serine.
Molecular consequence: missense variant. On other transcripts: non-coding transcript variant (1).
Genome position (GRCh38, 1-based): chr5:90,652,555, A>G. VCF-style: chr5-90652555-A-G. GRCh37 (hg19) VCF-style: chr5-89948372-A-G.
Other names: short protein forms N1209S.
Identifiers: ClinVar variation 1957062 (VCV001957062.5), dbSNP rs777504484, ClinGen allele CA3339211.

ClinVar aggregate classification (germline): Uncertain significance (1 of 4 stars; one submission).

Allele frequency attached by ClinVar (database versions not stated): gnomAD exomes below 0.00001; ExAC 0.00002.
gnomAD v4.1: 2 of 1,592,704 alleles (0.00013%); highest among the groups gnomAD compares: Non-Finnish European, 0.00017%; no homozygotes.

Submission:

Labcorp Genetics (formerly Invitae), Labcorp
Classification: Uncertain significance. Last evaluated: 2022-08-01. Review status: criteria provided, single submitter. Criteria: Invitae Variant Classification Sherloc (09022015). Collection method: clinical testing. Allele origin: germline.
Comment: In summary, the available evidence is currently insufficient to determine the role of this variant in disease. Therefore, it has been classified as a Variant of Uncertain Significance. Algorithms developed to predict the effect of sequence changes on RNA splicing suggest that this variant may create or strengthen a splice site. Algorithms developed to predict the effect of missense changes on protein structure and function are either unavailable or do not agree on the potential impact of this missense change (SIFT: "Deleterious"; PolyPhen-2: "Possibly Damaging"; Align-GVGD: "Class C0"). This variant has not been reported in the literature in individuals affected with ADGRV1-related conditions. This variant is present in population databases (rs777504484, gnomAD 0.002%). This sequence change replaces asparagine, which is neutral and polar, with serine, which is neutral and polar, at codon 1209 of the ADGRV1 protein (p.Asn1209Ser).